The following is an entry in ClinVar:

NM_000719.7(CACNA1C):c.5116C>G (p.His1706Asp)

Genes: CACNA1C (calcium voltage-gated channel subunit alpha1 C; plus strand), CACNA1C-AS1 (CACNA1C antisense RNA 1; minus strand). Cytogenetic location: 12p13.33.
Variant type: single nucleotide variant.
Coding change: c.5116C>G on transcript NM_000719.7 (MANE Select); coding-DNA position 5116, C replaced by G.
Protein change: p.His1706Asp; replaces histidine 1706 with aspartic acid.
Molecular consequence: missense variant.
Genome position (GRCh38, 1-based): chr12:2,679,468, C>G. VCF-style: chr12-2679468-C-G. GRCh37 (hg19) VCF-style: chr12-2788634-C-G.
Other names: c.5116C>G, p.His1706Asp (NM_001129842.2, NM_001129843.2, NM_001129830.3 and 4 more transcripts); c.5239C>G, p.His1747Asp (NM_001129829.2); c.5200C>G, p.His1734Asp (NM_001129831.2); c.5176C>G, p.His1726Asp (NM_001129832.2); c.5173C>G, p.His1725Asp (NM_001129833.2, NM_001129834.2, NM_001129835.2); c.5167C>G, p.His1723Asp (NM_001129836.2); c.5140C>G, p.His1714Asp (NM_001129837.2, NM_001129838.2); c.5134C>G, p.His1712Asp (NM_001129839.2); and 3 more; short protein forms H1695D, H1703D, H1706D, H1712D, H1714D, H1723D, H1725D, H1726D.
Identifiers: ClinVar variation 1698058 (VCV001698058.7), dbSNP rs949737894, ClinGen allele CA231610925.

ClinVar aggregate classification (germline): Uncertain significance. Review status: criteria provided, multiple submitters, no conflicts (2 of 4 stars). 2 submissions from 2 submitters: Uncertain significance (2). Last evaluated 2022-09-23.

Conditions:
Long QT syndrome (LQTS). Identifiers: MedGen C0023976, MeSH D008133, MONDO:0002442. Disease mechanism: loss of function. Inheritance: Various modes of inheritance.

Allele frequency attached by ClinVar (database versions not stated): gnomAD exomes below 0.00001; TOPMed below 0.00001.
gnomAD v4.1: 1 of 1,586,118 alleles (0.000063%); highest among the groups gnomAD compares: Admixed American, 0.0017%; no homozygotes.

Submissions (2):

Labcorp Genetics (formerly Invitae), Labcorp
Classification: Uncertain significance for Long QT syndrome. Last evaluated: 2022-09-23. Review status: criteria provided, single submitter. Criteria: Invitae Variant Classification Sherloc (09022015). Collection method: clinical testing. Allele origin: germline.
Comment: In summary, the available evidence is currently insufficient to determine the role of this variant in disease. Therefore, it has been classified as a Variant of Uncertain Significance. Advanced modeling of protein sequence and biophysical properties (such as structural, functional, and spatial information, amino acid conservation, physicochemical variation, residue mobility, and thermodynamic stability) performed at Invitae indicates that this missense variant is not expected to disrupt CACNA1C protein function. ClinVar contains an entry for this variant (Variation ID: 1698058). This variant has not been reported in the literature in individuals affected with CACNA1C-related conditions. This variant is present in population databases (no rsID available, gnomAD 0.003%). This sequence change replaces histidine, which is basic and polar, with aspartic acid, which is acidic and polar, at codon 1706 of the CACNA1C protein (p.His1706Asp).

GeneDx
Classification: Uncertain significance. Last evaluated: 2022-01-20. Review status: criteria provided, single submitter. Criteria: GeneDx Variant Classification Process June 2021. Collection method: clinical testing. Allele origin: germline. Affected: yes.
Comment: Not observed at significant frequency in large population cohorts (gnomAD); In silico analysis supports that this missense variant has a deleterious effect on protein structure/function; Has not been previously published as pathogenic or benign to our knowledge